The following is an entry in ClinVar:

ClinVar aggregate classification (germline): Uncertain significance (1 of 4 stars; one submission).

Allele frequency attached by ClinVar (database versions not stated): gnomAD exomes below 0.00001.
gnomAD v4.1: 3 of 1,614,148 alleles (0.00019%); highest among the groups gnomAD compares: Non-Finnish European, 0.00025%; no homozygotes.

Submission:

Labcorp Genetics (formerly Invitae), Labcorp
Classification: Uncertain significance. Last evaluated: 2022-04-12. Review status: criteria provided, single submitter. Criteria: Invitae Variant Classification Sherloc (09022015). Collection method: clinical testing. Allele origin: germline.
Comment: This variant is not present in population databases (gnomAD no frequency). In summary, the available evidence is currently insufficient to determine the role of this variant in disease. Therefore, it has been classified as a Variant of Uncertain Significance. Algorithms developed to predict the effect of missense changes on protein structure and function (SIFT, PolyPhen-2, Align-GVGD) all suggest that this variant is likely to be disruptive. This variant has not been reported in the literature in individuals affected with ROR1-related conditions. This sequence change replaces tyrosine, which is neutral and polar, with cysteine, which is neutral and slightly polar, at codon 488 of the ROR1 protein (p.Tyr488Cys).

NM_005012.4(ROR1):c.1463A>G (p.Tyr488Cys)

Gene: ROR1 (receptor tyrosine kinase like orphan receptor 1; plus strand). Cytogenetic location: 1p31.3.
Variant type: single nucleotide variant.
Coding change: c.1463A>G on transcript NM_005012.4 (MANE Select); coding-DNA position 1463, A replaced by G.
Protein change: p.Tyr488Cys; replaces tyrosine 488 with cysteine.
Molecular consequence: missense variant.
Genome position (GRCh38, 1-based): chr1:64,177,504, A>G. VCF-style: chr1-64177504-A-G. GRCh37 (hg19) VCF-style: chr1-64643187-A-G.
Other names: short protein forms Y488C.
Identifiers: ClinVar variation 1905240 (VCV001905240.5), dbSNP rs2522932163, ClinGen allele CA340641645.